The following is an entry in ClinVar:

ClinVar aggregate classification (germline): Conflicting classifications of pathogenicity. Review status: criteria provided, conflicting classifications (1 of 4 stars). 5 submissions from 5 submitters: Uncertain significance (1); Likely benign (4). Last evaluated 2025-01-03.

Conditions:
Tuberous sclerosis 2 (TSC2). Identifiers: Orphanet 805, MedGen C1860707, MONDO:0013199, OMIM 613254.
Hereditary cancer-predisposing syndrome. Also called: Neoplastic Syndromes, Hereditary; Hereditary Cancer Syndrome; Hereditary neoplastic syndrome; Tumor predisposition. Identifiers: Orphanet 140162, MedGen C0027672, MeSH D009386, MONDO:0015356.
Tuberous sclerosis syndrome (TSC). Also called: Tuberous Sclerosis Complex; Tuberous sclerosis. Identifiers: Orphanet 805, MedGen C0041341, MONDO:0001734.

Allele frequency attached by ClinVar (database versions not stated): TOPMed below 0.00001.

Submissions (5):

Quest Diagnostics Nichols Institute San Juan Capistrano
Classification: Uncertain significance. Last evaluated: 2025-01-03. Review status: criteria provided, single submitter. Criteria: Quest Diagnostics criteria. Collection method: clinical testing. Allele origin: unknown.

Labcorp Genetics (formerly Invitae), Labcorp
Classification: Likely benign for Tuberous sclerosis 2. Last evaluated: 2024-08-05. Review status: criteria provided, single submitter. Criteria: Invitae Variant Classification Sherloc (09022015). Collection method: clinical testing. Allele origin: germline.

Ambry Genetics
Classification: Likely benign for Hereditary cancer-predisposing syndrome. Last evaluated: 2023-08-01. Review status: criteria provided, single submitter. Criteria: Ambry Variant Classification Scheme 2023. Collection method: clinical testing. Allele origin: germline.

All of Us Research Program, National Institutes of Health
Classification: Likely benign for Tuberous sclerosis syndrome. Last evaluated: 2023-02-24. Review status: criteria provided, single submitter. Criteria: ACMG Guidelines, 2015. Collection method: clinical testing. Allele origin: germline. Inheritance: Autosomal dominant inheritance. Observed: 1 variant allele, 1 heterozygote.
Comment: This study involves interpretation of variants in research participants for the purpose of population health screening. Participant phenotype was not available at the time of variant classification. Additional details can be found in publication PMID: 35346344, PMCID: PMC8962531

Sema4
Classification: Likely benign for Hereditary cancer-predisposing syndrome. Last evaluated: 2021-06-03. Review status: criteria provided, single submitter. Criteria: Sema4 Curation Guidelines. Collection method: curation. Allele origin: germline.

NM_000548.5(TSC2):c.3058C>T (p.Leu1020=)

Gene: TSC2 (TSC complex subunit 2; plus strand). Cytogenetic location: 16p13.3.
Variant type: single nucleotide variant.
Coding change: c.3058C>T on transcript NM_000548.5 (MANE Select); coding-DNA position 3058, C replaced by T.
Protein change: p.Leu1020=; no amino-acid change (leucine 1020 retained).
Molecular consequence: synonymous variant.
Genome position (GRCh38, 1-based): chr16:2,079,123, C>T. VCF-style: chr16-2079123-C-T. GRCh37 (hg19) VCF-style: chr16-2129124-C-T.
Other names: c.2929C>T, p.Leu977= (NM_021055.3, NM_001363528.2, NM_001370405.1); c.2926C>T, p.Leu976= (NM_001077183.3, NM_001370404.1); c.3058C>T, p.Leu1020= (NM_001114382.3); c.2818C>T, p.Leu940= (NM_001318827.2); c.2782C>T, p.Leu928= (NM_001318829.2); c.2326C>T, p.Leu776= (NM_001318831.2); c.2959C>T, p.Leu987= (NM_001318832.2).
Identifiers: ClinVar variation 1158568 (VCV001158568.13), dbSNP rs574318440, ClinGen allele CA044121.